The following is an entry in ClinVar:

NC_000001.11:g.(?_212858453)_(212997318_?)dup

Genes: ANGEL2 (angel homolog 2; minus strand), FLVCR1 (FLVCR choline and heme transporter 1; plus strand), VASH2 (vasohibin 2; plus strand). Cytogenetic location: 1q32.3.
Variant type: Duplication.
Identifiers: ClinVar variation 831718 (VCV000831718.5).

ClinVar aggregate classification (germline): Uncertain significance (1 of 4 stars; one submission).

Submission:

Labcorp Genetics (formerly Invitae), Labcorp
Classification: Uncertain significance. Last evaluated: 2019-10-24. Review status: criteria provided, single submitter. Criteria: Invitae Variant Classification Sherloc (09022015). Collection method: clinical testing. Allele origin: germline.
Comment: This variant results in a copy number gain of the genomic region encompassing the full coding sequence of the FLVCR1 gene. The boundaries of this event are unknown as they extend beyond the assayed region for this gene and therefore may encompass additional genes. As the precise location of this event is unknown, it may be in tandem or it may be located elsewhere in the genome. This variant has not been reported in the literature in individuals with FLVCR1-related conditions. In summary, the available evidence is currently insufficient to determine the role of this variant in disease. Therefore, it has been classified as a Variant of Uncertain Significance.